The following is an entry in ClinVar:

ClinVar aggregate classification (germline): Benign/Likely benign. Review status: criteria provided, multiple submitters, no conflicts (2 of 4 stars). 6 submissions from 6 submitters: Benign (4); Likely benign (2). Last evaluated 2026-05-01.

Conditions:
Intellectual disability, autosomal dominant 14 (CSS2). Also called: COFFIN-SIRIS SYNDROME 2. Identifiers: Orphanet 1465, MedGen C3553247, MONDO:0013819, OMIM 614607.

Allele frequency attached by ClinVar (database versions not stated): 1000 Genomes Project 30x 0.00062; gnomAD exomes 0.00144 and 0.00307; gnomAD 0.00187 and 0.00196; TOPMed 0.00208; ExAC 0.00589; 1000 Genomes Project 0.00040.
gnomAD v4.1: 3,987 of 1,370,886 alleles (0.29%); highest among the groups gnomAD compares: Non-Finnish European, 0.34%; 7 homozygotes.

Submissions (6):

CeGaT Center for Human Genetics Tuebingen
Classification: Likely benign. Last evaluated: 2026-05-01. Review status: criteria provided, single submitter. Criteria: CeGaT Center For Human Genetics Tuebingen Variant Classification Criteria Version 2. Collection method: clinical testing. Allele origin: germline. Affected: yes. Observed: 14 variant alleles.
Comment: ARID1A: BP4, BP7

Labcorp Genetics (formerly Invitae), Labcorp
Classification: Benign. Last evaluated: 2026-01-27. Review status: criteria provided, single submitter. Criteria: Invitae Variant Classification Sherloc (09022015). Collection method: clinical testing. Allele origin: germline.

Blueprint Genetics
Classification: Likely benign. Last evaluated: 2024-11-15. Review status: criteria provided, single submitter. Criteria: ACMG Guidelines, 2015. Collection method: clinical testing. Allele origin: germline.

Genome-Nilou Lab
Classification: Benign for Intellectual disability, autosomal dominant 14. Last evaluated: 2021-12-05. Review status: criteria provided, single submitter. Criteria: ACMG Guidelines, 2015. Collection method: clinical testing. Allele origin: germline. Affected: no.

Genetic Services Laboratory, University of Chicago
Classification: Benign. Last evaluated: 2020-12-21. Review status: criteria provided, single submitter. Criteria: ACMG Guidelines, 2015. Collection method: clinical testing. Allele origin: germline. Affected: no.

GeneDx
Classification: Benign. Last evaluated: 2019-03-11. Review status: criteria provided, single submitter. Criteria: GeneDx Variant Classification Process June 2021. Collection method: clinical testing. Allele origin: germline. Affected: yes.

NM_006015.6(ARID1A):c.318C>T (p.Asn106=)

Gene: ARID1A (AT-rich interaction domain 1A; plus strand). Cytogenetic location: 1p36.11.
Variant type: single nucleotide variant.
Coding change: c.318C>T on transcript NM_006015.6 (MANE Select); coding-DNA position 318, C replaced by T.
Protein change: p.Asn106=; no amino-acid change (asparagine 106 retained).
Molecular consequence: synonymous variant.
Genome position (GRCh38, 1-based): chr1:26,696,721, C>T. VCF-style: chr1-26696721-C-T. GRCh37 (hg19) VCF-style: chr1-27023212-C-T.
Other names: c.318C>T (LRG_875t1); c.318C>T, p.Asn106= (NM_139135.4).
Identifiers: ClinVar variation 434315 (VCV000434315.42), dbSNP rs551186176, ClinGen allele CA706581.